The following is an entry in ClinVar:

NM_016169.4(SUFU):c.-33C>T

Genes: SUFU (SUFU negative regulator of hedgehog signaling; plus strand), LOC130004614 (ATAC-STARR-seq lymphoblastoid silent region 2764; plus strand). Cytogenetic location: 10q24.32.
Variant type: single nucleotide variant.
Coding change: c.-33C>T on transcript NM_016169.4 (MANE Select); 33 bases upstream of the start codon, C replaced by T.
Molecular consequence: 5 prime UTR variant.
Genome position (GRCh38, 1-based): chr10:102,504,120, C>T. VCF-style: chr10-102504120-C-T. GRCh37 (hg19) VCF-style: chr10-104263877-C-T.
Other names: c.-33C>T (NM_001178133.2).
Identifiers: ClinVar variation 298569 (VCV000298569.7), dbSNP rs201649559, ClinGen allele CA5667570.

ClinVar aggregate classification (germline): Benign/Likely benign. Review status: criteria provided, multiple submitters, no conflicts (2 of 4 stars). 4 submissions from 4 submitters: Benign (1); Likely benign (3). Last evaluated 2025-03-04.

Conditions:
Medulloblastoma (MDB). Also called: Medulloblastoma, somatic; MEDULLOBLASTOMA PREDISPOSITION SYNDROME. Identifiers: Orphanet 616, MedGen C0025149, MeSH D008527, MONDO:0007959, OMIM 155255, HP:0002885.

Allele frequency attached by ClinVar (database versions not stated): gnomAD exomes 0.00054 and 0.00125; ExAC 0.00171; ESP Exome Variant Server 0.00189; gnomAD 0.00551 and 0.00587; 1000 Genomes Project 0.00599; TOPMed 0.00629; 1000 Genomes Project 30x 0.00703.
gnomAD v4.1: 1,616 of 1,530,456 alleles (0.11%); highest among the groups gnomAD compares: African/African-American, 1.9%; 11 homozygotes.

Submissions (4):

Center for Genomic Medicine, Rigshospitalet, Copenhagen University Hospital
Classification: Benign. Last evaluated: 2025-03-04. Review status: criteria provided, single submitter. Criteria: ACMG Guidelines, 2015. Collection method: clinical testing. Allele origin: germline.
Comment: Classification criteria: BA1

Illumina Laboratory Services, Illumina
Classification: Likely benign for Medulloblastoma. Last evaluated: 2018-01-12. Review status: criteria provided, single submitter. Criteria: ICSL Variant Classification Criteria 13 December 2019. Collection method: clinical testing. Allele origin: germline.
Comment: This variant was observed in the ICSL laboratory as part of a predisposition screen in an ostensibly healthy population. It had not been previously curated by ICSL or reported in the Human Gene Mutation Database (HGMD: prior to June 1st, 2018), and was therefore a candidate for classification through an automated scoring system. Utilizing variant allele frequency, disease prevalence and penetrance estimates, and inheritance mode, an automated score was calculated to assess if this variant is too frequent to cause the disease. Based on the score and internal cut-off values, a variant classified as likely benign is not then subjected to further curation. The score for this variant resulted in a classification of likely benign for this disease.

GeneDx
Classification: Likely benign. Last evaluated: 2017-11-20. Review status: criteria provided, single submitter. Criteria: GeneDx Variant Classification (06012015). Collection method: clinical testing. Allele origin: germline. Affected: yes.
Comment: This variant is considered likely benign or benign based on one or more of the following criteria: it is a conservative change, it occurs at a poorly conserved position in the protein, it is predicted to be benign by multiple in silico algorithms, and/or has population frequency not consistent with disease.

Breakthrough Genomics
Classification: Likely benign. Review status: criteria provided, single submitter. Criteria: ACMG Guidelines, 2015. Collection method: not provided. Allele origin: germline. Inheritance: Autosomal recessive inheritance. Affected: yes.